The following is an entry in ClinVar:

ClinVar aggregate classification (germline): Uncertain significance. Review status: criteria provided, multiple submitters, no conflicts (2 of 4 stars). 4 submissions from 4 submitters: Uncertain significance (4). Last evaluated 2024-07-10.

Conditions:
Retinitis pigmentosa (RP). Identifiers: Orphanet 791, MedGen C0035334, MeSH D012174, MONDO:0019200, OMIM 268000. Inheritance: Autosomal dominant, autosomal recessive and X linked inheritance.
Inborn genetic diseases. Identifiers: MedGen C0950123, MeSH D030342.

Allele frequency attached by ClinVar (database versions not stated): gnomAD exomes 0.00002 and 0.00003; ExAC 0.00003; TOPMed 0.00004; gnomAD 0.00005 and 0.00006; ESP Exome Variant Server 0.00008; 1000 Genomes Project 30x 0.00031; 1000 Genomes Project 0.00040.
gnomAD v4.1: 32 of 1,614,184 alleles (0.002%); highest among the groups gnomAD compares: African/African-American, 0.015%; no homozygotes.

Submissions (4):

Blueprint Genetics
Classification: Uncertain significance. Last evaluated: 2024-07-10. Review status: criteria provided, single submitter. Criteria: ACMG Guidelines, 2015. Collection method: clinical testing. Allele origin: germline.

Ambry Genetics
Classification: Uncertain significance for Inborn genetic diseases. Last evaluated: 2024-03-12. Review status: criteria provided, single submitter. Criteria: Ambry Variant Classification Scheme 2023. Collection method: clinical testing. Allele origin: germline.

Labcorp Genetics (formerly Invitae), Labcorp
Classification: Uncertain significance. Last evaluated: 2023-08-28. Review status: criteria provided, single submitter. Criteria: Invitae Variant Classification Sherloc (09022015). Collection method: clinical testing. Allele origin: germline.
Comment: In summary, the available evidence is currently insufficient to determine the role of this variant in disease. Therefore, it has been classified as a Variant of Uncertain Significance. Advanced modeling of protein sequence and biophysical properties (such as structural, functional, and spatial information, amino acid conservation, physicochemical variation, residue mobility, and thermodynamic stability) performed at Invitae indicates that this missense variant is expected to disrupt CNGB1 protein function. ClinVar contains an entry for this variant (Variation ID: 886242). This variant has not been reported in the literature in individuals affected with CNGB1-related conditions. This variant is present in population databases (rs371998765, gnomAD 0.03%). This sequence change replaces arginine, which is basic and polar, with glutamine, which is neutral and polar, at codon 578 of the CNGB1 protein (p.Arg578Gln).

Illumina Laboratory Services, Illumina
Classification: Uncertain significance for Retinitis pigmentosa. Last evaluated: 2018-01-13. Review status: criteria provided, single submitter. Criteria: ICSL Variant Classification Criteria 13 December 2019. Collection method: clinical testing. Allele origin: germline.

NM_001297.5(CNGB1):c.1733G>A (p.Arg578Gln)

Gene: CNGB1 (cyclic nucleotide gated channel subunit beta 1; minus strand). Cytogenetic location: 16q21.
Variant type: single nucleotide variant.
Coding change: c.1733G>A on transcript NM_001297.5 (MANE Select); coding-DNA position 1733, G replaced by A.
Protein change: p.Arg578Gln; replaces arginine 578 with glutamine.
Molecular consequence: missense variant.
Genome position (GRCh38, 1-based): chr16:57,920,455, C>T on the plus strand (G>A on the coding strand, the complement: CNGB1 is on the minus strand). VCF-style: chr16-57920455-C-T. GRCh37 (hg19) VCF-style: chr16-57954359-C-T.
Other names: c.1715G>A, p.Arg572Gln (NM_001286130.2); short protein forms R578Q, R572Q.
Identifiers: ClinVar variation 886242 (VCV000886242.13), dbSNP rs371998765, ClinGen allele CA8083311.
Genomic context (GRCh38, chr16:57,920,455, plus strand): 5'-GGGCTCTCCTCATCAGAGGTGACGTCAGGGTCAATGAGTTTCTCCTTCACTTTCTCTGTC[C>T]GCTCCTTGAAGAGCTTCACCAGCTCCTGGAGCCGGTCGTTGATGATGGCGCTATTTGTGC-3'
Protein context (NP_001288.3, residues 568-588): LQELVKLFKE[Arg578Gln]TEKVKEKLID